The following is an entry in ClinVar:

ClinVar aggregate classification (germline): Uncertain significance (1 of 4 stars; one submission).

Conditions:
Neurodegeneration, infantile-onset, biotin-responsive. Also called: SODIUM-DEPENDENT MULTIVITAMIN TRANSPORTER DEFICIENCY; SMVT DEFICIENCY. Identifiers: Orphanet 521268, MedGen C5436520, MONDO:0033546, OMIM 618973.

gnomAD v4.1: 2 of 1,614,114 alleles (0.00012%); highest among the groups gnomAD compares: East Asian, 0.0022%; no homozygotes.

Submission:

3billion
Classification: Uncertain significance for Neurodegeneration, infantile-onset, biotin-responsive. Last evaluated: 2024-10-18. Review status: criteria provided, single submitter. Criteria: ACMG Guidelines, 2015. Collection method: clinical testing. Allele origin: germline. Affected: yes.
Comment: The variant is observed at an extremely low frequency in the gnomAD v4.1.0 dataset (total allele frequency: <0.001%). Predicted Consequence/Location: Missense variant In silico tool predictions suggest damaging effect of the variant on gene or gene product [REVEL: 0.63 (>=0.6, sensitivity 0.68 and specificity 0.92)]. Therefore, this variant is classified as VUS according to the recommendation of ACMG/AMP guideline.

NM_021095.4(SLC5A6):c.317A>G (p.Tyr106Cys)

Gene: SLC5A6 (solute carrier family 5 member 6; minus strand). Cytogenetic location: 2p23.3.
Variant type: single nucleotide variant.
Coding change: c.317A>G on transcript NM_021095.4 (MANE Select); coding-DNA position 317, A replaced by G.
Protein change: p.Tyr106Cys; replaces tyrosine 106 with cysteine.
Molecular consequence: missense variant. On other transcripts: non-coding transcript variant (1).
Genome position (GRCh38, 1-based): chr2:27,207,334, T>C on the plus strand (A>G on the coding strand, the complement: SLC5A6 is on the minus strand). VCF-style: chr2-27207334-T-C. GRCh37 (hg19) VCF-style: chr2-27430202-T-C.
Other names: short protein forms Y106C.
Identifiers: ClinVar variation 4292403 (VCV004292403.1).